The following is an entry in ClinVar:

NM_023110.3(FGFR1):c.1646G>A (p.Gly549Glu)

Gene: FGFR1 (fibroblast growth factor receptor 1; minus strand). Cytogenetic location: 8p11.23.
Variant type: single nucleotide variant.
Coding change: c.1646G>A on transcript NM_023110.3 (MANE Select); coding-DNA position 1646, G replaced by A.
Protein change: p.Gly549Glu; replaces glycine 549 with glutamic acid.
Molecular consequence: missense variant.
Genome position (GRCh38, 1-based): chr8:38,417,323, C>T on the plus strand (G>A on the coding strand, the complement: FGFR1 is on the minus strand). VCF-style: chr8-38417323-C-T. GRCh37 (hg19) VCF-style: chr8-38274841-C-T.
Other names: c.1379G>A, p.Gly460Glu (NM_001174066.2, NM_023105.3); c.1739G>A, p.Gly580Glu (NM_001174067.2); c.1640G>A, p.Gly547Glu (NM_001354367.2, NM_015850.4, NM_001174063.2 and 1 more transcripts); c.1367G>A, p.Gly456Glu (NM_001354368.2); c.1634G>A, p.Gly545Glu (NM_001354369.2, NM_001410922.1); c.1373G>A, p.Gly458Glu (NM_001354370.2, NM_023106.3); c.1616G>A, p.Gly539Glu (NM_001174064.2); short protein forms G456E, G458E, G460E, G539E, G545E, G547E, G549E, G580E.
Identifiers: ClinVar variation 4281915 (VCV004281915.1).

ClinVar aggregate classification (germline): Uncertain significance (1 of 4 stars; one submission).

Submission:

GeneDx
Classification: Uncertain significance. Last evaluated: 2025-04-15. Review status: criteria provided, single submitter. Criteria: GeneDx Variant Classification Process June 2021. Collection method: clinical testing. Allele origin: germline. Affected: yes.
Comment: Not observed at significant frequency in large population cohorts (gnomAD); In silico analysis supports that this missense variant has a deleterious effect on protein structure/function; Has not been previously published as pathogenic or benign to our knowledge.